The following is an entry in ClinVar:

ClinVar aggregate classification (germline): Benign. Review status: criteria provided, multiple submitters, no conflicts (2 of 4 stars). 2 submissions from 2 submitters: Benign (2). Last evaluated 2018-01-12.

Conditions:
Charcot-Marie-Tooth disease type 4B1. Also called: CHARCOT-MARIE-TOOTH DISEASE, AUTOSOMAL RECESSIVE, WITH FOCALLY FOLDED MYELIN SHEATHS, AUTOSOMAL RECESSIVE, TYPE 4B1; CHARCOT-MARIE-TOOTH DISEASE, TYPE 4B; Charcot-Marie-Tooth Neuropathy Type 4B1; CHARCOT-MARIE-TOOTH DISEASE, DEMYELINATING, TYPE 4B1. Identifiers: Orphanet 99955, MedGen C1832399, MONDO:0011066, OMIM 601382.

Allele frequency attached by ClinVar (database versions not stated): 1000 Genomes Project 0.06709; 1000 Genomes Project 30x 0.06715; TOPMed 0.06825; gnomAD 0.07185.

Submissions (2):

Illumina Laboratory Services, Illumina
Classification: Benign for Charcot-Marie-Tooth disease type 4B1. Last evaluated: 2018-01-12. Review status: criteria provided, single submitter. Criteria: ICSL Variant Classification Criteria 13 December 2019. Collection method: clinical testing. Allele origin: germline.
Comment: This variant was observed in the ICSL laboratory as part of a predisposition screen in an ostensibly healthy population. It had not been previously curated by ICSL or reported in the Human Gene Mutation Database (HGMD: prior to June 1st, 2018), and was therefore a candidate for classification through an automated scoring system. Utilizing variant allele frequency, disease prevalence and penetrance estimates, and inheritance mode, an automated score was calculated to assess if this variant is too frequent to cause the disease. Based on the score and internal cut-off values, a variant classified as benign is not then subjected to further curation. The score for this variant resulted in a classification of benign for this disease.

Breakthrough Genomics
Classification: Benign. Review status: criteria provided, single submitter. Criteria: ACMG Guidelines, 2015. Collection method: not provided. Allele origin: germline. Inheritance: Autosomal recessive inheritance. Affected: yes.

NM_016156.6(MTMR2):c.*1396C>T

Gene: MTMR2 (myotubularin related protein 2; minus strand). Cytogenetic location: 11q21.
Variant type: single nucleotide variant.
Coding change: c.*1396C>T on transcript NM_016156.6 (MANE Select); 1396 bases downstream of the stop codon, C replaced by T.
Molecular consequence: 3 prime UTR variant.
Genome position (GRCh38, 1-based): chr11:95,833,894, G>A on the plus strand (C>T on the coding strand, the complement: MTMR2 is on the minus strand). VCF-style: chr11-95833894-G-A. GRCh37 (hg19) VCF-style: chr11-95567058-G-A.
Other names: c.*1396C>T (NM_001243571.2, NM_201278.3, NM_201281.3).
Identifiers: ClinVar variation 306515 (VCV000306515.6), dbSNP rs16922615, ClinGen allele CA10635947.